The following is an entry in ClinVar:

ClinVar aggregate classification (germline): Likely benign. Review status: criteria provided, multiple submitters, no conflicts (2 of 4 stars). 3 submissions from 3 submitters: Likely benign (3). Last evaluated 2025-06-06.

Conditions:
Primary dilated cardiomyopathy (DCM). Also called: Dilated Cardiomyopathy. Identifiers: Orphanet 217604, MedGen C0007193, MeSH D002311, MONDO:0005021, HP:0001644. Inheritance: Various modes of inheritance.

Allele frequency attached by ClinVar (database versions not stated): ExAC 0.00001; TOPMed 0.00001; gnomAD 0.00002 and 0.00003.
gnomAD v4.1: 59 of 1,613,954 alleles (0.0037%); highest among the groups gnomAD compares: Admixed American, 0.005%; no homozygotes.

Submissions (3):

Labcorp Genetics (formerly Invitae), Labcorp
Classification: Likely benign for Primary dilated cardiomyopathy. Last evaluated: 2025-06-06. Review status: criteria provided, single submitter. Criteria: Invitae Variant Classification Sherloc (09022015). Collection method: clinical testing. Allele origin: germline.

Ambry Genetics
Classification: Likely benign. Last evaluated: 2022-04-19. Review status: criteria provided, single submitter. Criteria: Ambry Variant Classification Scheme 2023. Collection method: clinical testing. Allele origin: germline.

GeneDx
Classification: Likely benign. Last evaluated: 2017-07-13. Review status: criteria provided, single submitter. Criteria: GeneDx Variant Classification (06012015). Collection method: clinical testing. Allele origin: germline. Affected: yes.
Comment: This variant is considered likely benign or benign based on one or more of the following criteria: it is a conservative change, it occurs at a poorly conserved position in the protein, it is predicted to be benign by multiple in silico algorithms, and/or has population frequency not consistent with disease.

NM_006393.3(NEBL):c.2397C>T (p.Pro799=)

Gene: NEBL (nebulette; minus strand). Cytogenetic location: 10p12.31.
Variant type: single nucleotide variant.
Coding change: c.2397C>T on transcript NM_006393.3 (MANE Select); coding-DNA position 2397, C replaced by T.
Protein change: p.Pro799=; no amino-acid change (proline 799 retained).
Molecular consequence: synonymous variant.
Genome position (GRCh38, 1-based): chr10:20,812,890, G>A on the plus strand (C>T on the coding strand, the complement: NEBL is on the minus strand). VCF-style: chr10-20812890-G-A. GRCh37 (hg19) VCF-style: chr10-21101819-G-A.
Other names: c.408C>T, p.Pro136= (NM_001173484.2, NM_001377322.1, NM_213569.2); c.360C>T, p.Pro120= (NM_001377323.1); c.351C>T, p.Pro117= (NM_001377324.1); c.342C>T, p.Pro114= (NM_001377325.1); c.300C>T, p.Pro100= (NM_001377326.1, NM_001377327.1, NM_001377328.1).
Identifiers: ClinVar variation 417187 (VCV000417187.11), dbSNP rs766216481, ClinGen allele CA5432491.